The following is an entry in ClinVar:

NM_001378457.1(DMXL2):c.3200T>C (p.Ile1067Thr)

Gene: DMXL2 (Dmx like 2; minus strand). Cytogenetic location: 15q21.2.
Variant type: single nucleotide variant.
Coding change: c.3200T>C on transcript NM_001378457.1 (MANE Select); coding-DNA position 3200, T replaced by C.
Protein change: p.Ile1067Thr; replaces isoleucine 1067 with threonine.
Molecular consequence: missense variant. On other transcripts: non-coding transcript variant (2), intron variant (2).
Genome position (GRCh38, 1-based): chr15:51,500,024, A>G on the plus strand (T>C on the coding strand, the complement: DMXL2 is on the minus strand). VCF-style: chr15-51500024-A-G. GRCh37 (hg19) VCF-style: chr15-51792221-A-G.
Other names: c.3200T>C, p.Ile1067Thr (NM_001174116.3, NM_001378458.1, NM_001378459.1 and 4 more transcripts); c.2960T>C, p.Ile987Thr (NM_001378464.1); c.2764+7110T>C (NM_001378460.1); c.2765-4890T>C (NM_001174117.3); short protein forms I1067T, I987T.
Identifiers: ClinVar variation 1522398 (VCV001522398.8), dbSNP rs2043471170, ClinGen allele CA392437277.

ClinVar aggregate classification (germline): Uncertain significance (1 of 4 stars; one submission).

Allele frequency attached by ClinVar (database versions not stated): gnomAD exomes below 0.00001.
gnomAD v4.1: 1 of 1,614,150 alleles (0.000062%); highest among the groups gnomAD compares: Non-Finnish European, 0.000085%; no homozygotes.

Submission:

Labcorp Genetics (formerly Invitae), Labcorp
Classification: Uncertain significance. Last evaluated: 2024-02-17. Review status: criteria provided, single submitter. Criteria: Invitae Variant Classification Sherloc (09022015). Collection method: clinical testing. Allele origin: germline.
Comment: This sequence change replaces isoleucine, which is neutral and non-polar, with threonine, which is neutral and polar, at codon 1067 of the DMXL2 protein (p.Ile1067Thr). This variant is not present in population databases (gnomAD no frequency). This variant has not been reported in the literature in individuals affected with DMXL2-related conditions. ClinVar contains an entry for this variant (Variation ID: 1522398). An algorithm developed to predict the effect of missense changes on protein structure and function (PolyPhen-2) suggests that this variant is likely to be tolerated. In summary, the available evidence is currently insufficient to determine the role of this variant in disease. Therefore, it has been classified as a Variant of Uncertain Significance.